The following is an entry in ClinVar:

NM_033026.6(PCLO):c.1711A>G (p.Thr571Ala)

Gene: PCLO (piccolo presynaptic cytomatrix protein; minus strand). Cytogenetic location: 7q21.11.
Variant type: single nucleotide variant.
Coding change: c.1711A>G on transcript NM_033026.6 (MANE Select); coding-DNA position 1711, A replaced by G.
Protein change: p.Thr571Ala; replaces threonine 571 with alanine.
Molecular consequence: missense variant.
Genome position (GRCh38, 1-based): chr7:83,154,930, T>C on the plus strand (A>G on the coding strand, the complement: PCLO is on the minus strand). VCF-style: chr7-83154930-T-C. GRCh37 (hg19) VCF-style: chr7-82784246-T-C.
Other names: c.1711A>G, p.Thr571Ala (NM_014510.3); short protein forms T571A.
Identifiers: ClinVar variation 1466804 (VCV001466804.8), dbSNP rs2116685384, ClinGen allele CA367912998.

ClinVar aggregate classification (germline): Uncertain significance (1 of 4 stars; one submission).

Allele frequency attached by ClinVar (database versions not stated): gnomAD exomes below 0.00001.
gnomAD v4.1: 1 of 1,613,982 alleles (0.000062%); highest among the groups gnomAD compares: African/African-American, 0.0013%; no homozygotes.

Submission:

Labcorp Genetics (formerly Invitae), Labcorp
Classification: Uncertain significance. Last evaluated: 2021-06-06. Review status: criteria provided, single submitter. Criteria: Invitae Variant Classification Sherloc (09022015). Collection method: clinical testing. Allele origin: germline.
Comment: This sequence change replaces threonine with alanine at codon 571 of the PCLO protein (p.Thr571Ala). The threonine residue is weakly conserved and there is a small physicochemical difference between threonine and alanine. This variant is not present in population databases (ExAC no frequency). This variant has not been reported in the literature in individuals with PCLO-related conditions. Algorithms developed to predict the effect of missense changes on protein structure and function are either unavailable or do not agree on the potential impact of this missense change (SIFT: "Tolerated"; PolyPhen-2: "Not Available"; Align-GVGD: "Class C0"). In summary, the available evidence is currently insufficient to determine the role of this variant in disease. Therefore, it has been classified as a Variant of Uncertain Significance.